The following is an entry in ClinVar:

ClinVar aggregate classification (germline): Uncertain significance (1 of 4 stars; one submission).

gnomAD v4.1: 4 of 1,614,060 alleles (0.00025%); highest among the groups gnomAD compares: Non-Finnish European, 0.00025%; no homozygotes.

Submission:

GeneDx
Classification: Uncertain significance. Last evaluated: 2020-10-22. Review status: criteria provided, single submitter. Criteria: GeneDx Variant Classification Process June 2021. Collection method: clinical testing. Allele origin: germline. Affected: yes.
Comment: Not observed at a significant frequency in large population cohorts (Lek et al., 2016); In silico analysis supports that this missense variant has a deleterious effect on protein structure/function; Has not been previously published as pathogenic or benign to our knowledge

NM_001205254.2(OCLN):c.842G>T (p.Trp281Leu)

Gene: OCLN (occludin; plus strand). Cytogenetic location: 5q13.2.
Variant type: single nucleotide variant.
Coding change: c.842G>T on transcript NM_001205254.2 (MANE Select); coding-DNA position 842, G replaced by T.
Protein change: p.Trp281Leu; replaces tryptophan 281 with leucine.
Molecular consequence: missense variant. On other transcripts: intron variant (1).
Genome position (GRCh38, 1-based): chr5:69,514,060, G>T. VCF-style: chr5-69514060-G-T. GRCh37 (hg19) VCF-style: chr5-68809887-G-T.
Other names: c.89G>T, p.Trp30Leu (NM_001205255.2); c.842G>T, p.Trp281Leu (NM_002538.4); c.729+4241G>T (NM_001410743.1); short protein forms W281L, W30L.
Identifiers: ClinVar variation 1313535 (VCV001313535.2), dbSNP rs1309670545, ClinGen allele CA360078579.